The following is an entry in ClinVar:

ClinVar aggregate classification (germline): Uncertain significance (1 of 4 stars; one submission).

gnomAD v4.1: 12 of 1,613,976 alleles (0.00074%); highest among the groups gnomAD compares: Admixed American, 0.005%; no homozygotes.

Submission:

Women's Health and Genetics/Laboratory Corporation of America, LabCorp
Classification: Uncertain significance. Last evaluated: 2025-02-19. Review status: criteria provided, single submitter. Criteria: LabCorp Variant Classification Summary - May 2015. Collection method: clinical testing. Allele origin: germline.
Comment: Variant summary: TPO c.1727C>T (p.Ala576Val) results in a non-conservative amino acid change located in the Haem peroxidase domain superfamily, animal type domain (IPR037120) of the encoded protein sequence. Five of five in-silico tools predict a damaging effect of the variant on protein function. The variant allele was found at a frequency of 8e-06 in 251454 control chromosomes. The available data on variant occurrences in the general population are insufficient to allow any conclusion about variant significance. c.1727C>T has been reported in trans with a pathogenic variant in the literature in at least 1 individual affected with Deficiency Of Iodide Peroxidase (example, Sriphrapradang_2016). These data do not allow any conclusion about variant significance. To our knowledge, no experimental evidence demonstrating an impact on protein function has been reported. The following publication has been ascertained in the context of this evaluation (PMID: 26761947). No submitters have cited clinical-significance assessments for this variant to ClinVar. Based on the evidence outlined above, the variant was classified as uncertain significance.

Literature cited by the submitters: PubMed 26761947.

NM_001206744.2(TPO):c.1727C>T (p.Ala576Val)

Genes: LALTOP (lung cancer associated lncRNA targeting TOP2A; minus strand), TPO (thyroid peroxidase; plus strand). Cytogenetic location: 2p25.3.
Variant type: single nucleotide variant.
Coding change: c.1727C>T on transcript NM_001206744.2 (MANE Select); coding-DNA position 1727, C replaced by T.
Protein change: p.Ala576Val; replaces alanine 576 with valine.
Molecular consequence: missense variant. On other transcripts: intron variant (2).
Genome position (GRCh38, 1-based): chr2:1,487,950, C>T. VCF-style: chr2-1487950-C-T. GRCh37 (hg19) VCF-style: chr2-1491722-C-T.
Other names: c.1727C>T, p.Ala576Val (NM_000547.6, NM_175721.3); c.1208C>T, p.Ala403Val (NM_175722.3); c.1597+3096C>T (NM_175719.4, NM_001206745.2); short protein forms A403V, A576V.
Identifiers: ClinVar variation 3768941 (VCV003768941.1).